The following is an entry in ClinVar:

ClinVar aggregate classification (germline): Likely pathogenic. Review status: criteria provided, multiple submitters, no conflicts (2 of 4 stars). 2 submissions from 2 submitters: Likely pathogenic (2). Last evaluated 2023-02-07.

Conditions:
Retinitis pigmentosa 12 (RP12). Also called: RP WITH OR WITHOUT PPRPE; RP WITH OR WITHOUT PRESERVED PARAARTERIOLE RETINAL PIGMENT EPITHELIUM; RETINITIS PIGMENTOSA WITH OR WITHOUT PARAARTERIOLAR PRESERVATION OF RETINAL PIGMENT EPITHELIUM. Identifiers: Orphanet 791, MedGen C1838647, MONDO:0010818, OMIM 600105.
Leber congenital amaurosis 8 (LCA8). Identifiers: Orphanet 65, MedGen C3151202, MONDO:0013453, OMIM 613835.

Submissions (2):

Baylor Genetics
Classification: Likely pathogenic for Leber congenital amaurosis 8. Last evaluated: 2023-02-07. Review status: criteria provided, single submitter. Criteria: ACMG Guidelines, 2015. Collection method: clinical testing. Allele origin: unknown.

Juno Genomics, Hangzhou Juno Genomics, Inc
Classification: Likely pathogenic for Retinitis pigmentosa 12. Review status: criteria provided, single submitter. Criteria: ACMG Guidelines, 2015. Collection method: clinical testing. Allele origin: germline.
Comment: Absent from controls (or at extremely low frequency if recessive) in Genome Aggregation Database.;Null variant in a gene where loss of function (LOF) is a known mechanism of disease.

NM_201253.3(CRB1):c.3620_3630delinsGACA (p.Thr1207fs)

Gene: CRB1 (crumbs cell polarity complex component 1; plus strand). Cytogenetic location: 1q31.3.
Variant type: Indel.
Coding change: c.3620_3630delinsGACA on transcript NM_201253.3 (MANE Select); coding-DNA positions 3620 to 3630, CTGGTGTGAAC replaced by GACA.
Protein change: p.Thr1207fs; shifts the reading frame from threonine 1207.
Molecular consequence: frameshift variant. On other transcripts: non-coding transcript variant (2), intron variant (1).
Genome position (GRCh38, 1-based): chr1:197,435,483-197,435,493, CTGGTGTGAAC replaced by GACA. VCF-style: chr1-197435483-CTGGTGTGAAC-GACA. GRCh37 (hg19) VCF-style: chr1-197404613-CTGGTGTGAAC-GACA.
Other names: c.2129-117_2129-107delinsGACA (NM_001257966.2); c.3284_3294delinsGACA, p.Thr1095fs (NM_001193640.2); c.3548_3558delinsGACA, p.Thr1183fs (NM_001257965.2); short protein forms T1095fs, T1183fs, T1207fs.
Identifiers: ClinVar variation 2680987 (VCV002680987.3), dbSNP rs2528204409, ClinGen allele CA2695199952.
Genomic context (GRCh38, chr1:197,435,483, plus strand): 5'-TCCATGGCAACTGCTCTGACAGAGTTGCAGCCTACCACTGCACATGTGAGCCTGGATACA[CTGGTGTGAAC>GACA]TGTGAAGTGGATATAGACAACTGCCAGAGTCACCAGTGTGCAAATGGAGCCACCTGCATT-3'